The following is an entry in ClinVar:

ClinVar aggregate classification (germline): Likely benign (1 of 4 stars; one submission).

Conditions:
Neuroblastoma (NB). Identifiers: Orphanet 635, MedGen C0027819, MeSH D009447, MONDO:0005072, HP:0003006.

Allele frequency attached by ClinVar (database versions not stated): gnomAD 0.00008 and 0.00016; TOPMed 0.00015; gnomAD exomes 0.00030; 1000 Genomes Project 0.00040; 1000 Genomes Project 30x 0.00062.
gnomAD v4.1: 46 of 229,436 alleles (0.02%); highest among the groups gnomAD compares: South Asian, 0.27%; 1 homozygote.

Submission:

Illumina Laboratory Services, Illumina
Classification: Likely benign for Neuroblastoma. Last evaluated: 2018-01-12. Review status: criteria provided, single submitter. Criteria: ICSL Variant Classification Criteria 13 December 2019. Collection method: clinical testing. Allele origin: germline.
Comment: This variant was observed in the ICSL laboratory as part of a predisposition screen in an ostensibly healthy population. It had not been previously curated by ICSL or reported in the Human Gene Mutation Database (HGMD: prior to June 1st, 2018), and was therefore a candidate for classification through an automated scoring system. Utilizing variant allele frequency, disease prevalence and penetrance estimates, and inheritance mode, an automated score was calculated to assess if this variant is too frequent to cause the disease. Based on the score and internal cut-off values, a variant classified as likely benign is not then subjected to further curation. The score for this variant resulted in a classification of likely benign for this disease.

NM_001365951.3(KIF1B):c.*3418C>T

Gene: KIF1B (kinesin family member 1B; plus strand). Cytogenetic location: 1p36.22.
Variant type: single nucleotide variant.
Coding change: c.*3418C>T on transcript NM_001365951.3 (MANE Select); 3418 bases downstream of the stop codon, C replaced by T.
Molecular consequence: 3 prime UTR variant.
Genome position (GRCh38, 1-based): chr1:10,380,005, C>T. VCF-style: chr1-10380005-C-T. GRCh37 (hg19) VCF-style: chr1-10440063-C-T.
Other names: c.*3418C>T (NM_001365952.1, NM_015074.3).
Identifiers: ClinVar variation 291644 (VCV000291644.5), dbSNP rs559140260, ClinGen allele CA10607263.
Genomic context (GRCh38, chr1:10,380,005, plus strand): 5'-ACGGCAAGGGGCAATGGAGTGAGTTTCCCAACTAAGAAACCACTATTATATATTTTTTCC[C>T]TTCAGTCACATAGACTTCAGACAACTCTCCTATTTTTTATGGATTTTTCAGCTCATTTCA-3'